The following is an entry in ClinVar:

NM_006012.4(CLPP):c.484G>A (p.Gly162Ser)

Gene: CLPP (caseinolytic mitochondrial matrix peptidase proteolytic subunit; plus strand). Cytogenetic location: 19p13.3.
Variant type: single nucleotide variant.
Coding change: c.484G>A on transcript NM_006012.4 (MANE Select); coding-DNA position 484, G replaced by A.
Protein change: p.Gly162Ser; replaces glycine 162 with serine.
Molecular consequence: missense variant.
Genome position (GRCh38, 1-based): chr19:6,364,568, G>A. VCF-style: chr19-6364568-G-A. GRCh37 (hg19) VCF-style: chr19-6364579-G-A.
Other names: short protein forms G162S.
Identifiers: ClinVar variation 2584518 (VCV002584518.1), dbSNP rs780624187, ClinGen allele CA9122929.
Genomic context (GRCh38, chr19:6,364,568, plus strand): 5'-CCGATCTGCACCTGGTGCGTGGGCCAGGCCGCCAGCATGGGCTCCCTGCTTCTCGCCGCC[G>A]GCACCCCAGGCATGCGCCACTCGCTCCCCAACTCCCGTATCATGATCCACCAGCCCTCAG-3'
Protein context (NP_006003.1, residues 152-172): ASMGSLLLAA[Gly162Ser]TPGMRHSLPN

ClinVar aggregate classification (germline): Likely pathogenic (1 of 4 stars; one submission).

Conditions:
Perrault syndrome 3 (PRLTS3). Identifiers: Orphanet 2855, MedGen C3808414, MONDO:0013588, OMIM 614129.

Allele frequency attached by ClinVar (database versions not stated): gnomAD exomes below 0.00001; gnomAD 0.00001; ExAC 0.00002; TOPMed 0.00002.
gnomAD v4.1: 6 of 1,613,006 alleles (0.00037%); highest among the groups gnomAD compares: African/African-American, 0.0027%; no homozygotes.

Submission:

Rady Children's Institute for Genomic Medicine, Rady Children's Hospital San Diego
Classification: Likely pathogenic for PERRAULT SYNDROME 3. Review status: criteria provided, single submitter. Criteria: ACMG Guidelines, 2015. Collection method: clinical testing. Allele origin: germline. Affected: yes.
Comment: This variant has been previously reported as a compound heterozygous change in patients with Perrault Syndrome (PMID: 27899912). The c.484G>A (p.Gly162Ser) variant is present in the heterozygous state in the gnomAD population database at a frequency of 0.0012% (3/247662) and thus is presumed to be rare. The c.484G>A (p.Gly162Ser) variant affects a highly conserved amino acid and is predicted by multiple in silico tools to have a deleterious effect on protein function. Based on the available evidence, the c.484G>A (p.Gly162Ser) variant is classified as Likely Pathogenic.